The following is an entry in ClinVar:

ClinVar aggregate classification (germline): Uncertain significance (1 of 4 stars; one submission).

Conditions:
Alzheimer disease. Also called: Presenile and senile dementia; Alzheimer's disease. Identifiers: Orphanet 1020, MedGen C0002395, MeSH D000544, MONDO:0004975, HP:0002511.

gnomAD v4.1: 7 of 1,614,054 alleles (0.00043%); highest among the groups gnomAD compares: Non-Finnish European, 0.00059%; no homozygotes.

Submission:

Labcorp Genetics (formerly Invitae), Labcorp
Classification: Uncertain significance for Alzheimer disease. Last evaluated: 2024-12-04. Review status: criteria provided, single submitter. Criteria: Invitae Variant Classification Sherloc (09022015). Collection method: clinical testing. Allele origin: germline.
Comment: This sequence change replaces asparagine, which is neutral and polar, with serine, which is neutral and polar, at codon 448 of the APP protein (p.Asn448Ser). This variant is present in population databases (no rsID available, gnomAD 0.0009%). This variant has not been reported in the literature in individuals affected with APP-related conditions. Invitae Evidence Modeling of protein sequence and biophysical properties (such as structural, functional, and spatial information, amino acid conservation, physicochemical variation, residue mobility, and thermodynamic stability) indicates that this missense variant is not expected to disrupt APP protein function with a negative predictive value of 95%. In summary, the available evidence is currently insufficient to determine the role of this variant in disease. Therefore, it has been classified as a Variant of Uncertain Significance.

NM_000484.4(APP):c.1343A>G (p.Asn448Ser)

Gene: APP (amyloid beta precursor protein; minus strand). Cytogenetic location: 21q21.3.
Variant type: single nucleotide variant.
Coding change: c.1343A>G on transcript NM_000484.4 (MANE Select); coding-DNA position 1343, A replaced by G.
Protein change: p.Asn448Ser; replaces asparagine 448 with serine.
Molecular consequence: missense variant.
Genome position (GRCh38, 1-based): chr21:25,975,185, T>C on the plus strand (A>G on the coding strand, the complement: APP is on the minus strand). VCF-style: chr21-25975185-T-C. GRCh37 (hg19) VCF-style: chr21-27347498-T-C.
Other names: c.1271A>G, p.Asn424Ser (NM_001136016.3); c.950A>G, p.Asn317Ser (NM_001136129.3); c.1175A>G, p.Asn392Ser (NM_001136130.3, NM_001385253.1); c.1013A>G, p.Asn338Ser (NM_001136131.3); c.1343A>G, p.Asn448Ser (NM_001204301.2); c.1286A>G, p.Asn429Ser (NM_001204302.2, NM_201413.3); c.1118A>G, p.Asn373Ser (NM_001204303.2, NM_201414.3); short protein forms N429S, N373S, N392S, N448S, N317S, N338S, N424S.
Identifiers: ClinVar variation 3730012 (VCV003730012.2).
Genomic context (GRCh38, chr21:25,975,185, plus strand): 5'-CGGTCATTGAGCATGGCTTCCACTCTGGCCATGTGTGTCTCCACCAGCTGCTGTCTCTCG[T>C]TGGCTGCTTCCTGTTCCAAAGATTCCACTTTCTCCTGGAAATGCTGCCATCATAAACACA-3'
Protein context (NP_000475.1, residues 438-458): KVESLEQEAA[Asn448Ser]ERQQLVETHM